The following is an entry in ClinVar:

ClinVar aggregate classification (germline): Uncertain significance (1 of 4 stars; one submission).

Conditions:
Duchenne muscular dystrophy (DMD). Also called: MUSCULAR DYSTROPHY, PSEUDOHYPERTROPHIC PROGRESSIVE, DUCHENNE TYPE; Duchenne Muscular Dystrophy (DMD). Identifiers: Orphanet 98896, MedGen C0013264, MONDO:0010679, OMIM 310200.

Submission:

Labcorp Genetics (formerly Invitae), Labcorp
Classification: Uncertain significance for Duchenne muscular dystrophy. Last evaluated: 2020-10-26. Review status: criteria provided, single submitter. Criteria: Invitae Variant Classification Sherloc (09022015). Collection method: clinical testing. Allele origin: germline.
Comment: Algorithms developed to predict the effect of missense changes on protein structure and function are either unavailable or do not agree on the potential impact of this missense change (SIFT: "Deleterious"; PolyPhen-2: "Benign"; Align-GVGD: "Class C0"). In summary, the available evidence is currently insufficient to determine the role of this variant in disease. Therefore, it has been classified as a Variant of Uncertain Significance. This variant has not been reported in the literature in individuals with DMD-related conditions. This variant is not present in population databases (ExAC no frequency). This sequence change replaces methionine with isoleucine at codon 513 of the DMD protein (p.Met513Ile). The methionine residue is highly conserved and there is a small physicochemical difference between methionine and isoleucine.

NM_004006.3(DMD):c.1539G>C (p.Met513Ile)

Gene: DMD (dystrophin; minus strand). Cytogenetic location: Xp21.1.
Variant type: single nucleotide variant.
Coding change: c.1539G>C on transcript NM_004006.3 (MANE Select); coding-DNA position 1539, G replaced by C.
Protein change: p.Met513Ile; replaces methionine 513 with isoleucine.
Molecular consequence: missense variant.
Genome position (GRCh38, 1-based): chrX:32,595,820, C>G on the plus strand (G>C on the coding strand, the complement: DMD is on the minus strand). VCF-style: chrX-32595820-C-G. GRCh37 (hg19) VCF-style: chrX-32613937-C-G.
Other names: c.1515G>C, p.Met505Ile (NM_000109.4); c.1527G>C, p.Met509Ile (NM_004009.3); c.1170G>C, p.Met390Ile (NM_004010.3); short protein forms M390I, M505I, M509I, M513I.
Identifiers: ClinVar variation 1060781 (VCV001060781.7), dbSNP rs2149264812, ClinGen allele CA412665489.